The following is an entry in ClinVar:

ClinVar aggregate classification (germline): Conflicting classifications of pathogenicity. Review status: criteria provided, conflicting classifications (1 of 4 stars). 4 submissions from 4 submitters: Uncertain significance (1); Likely benign (3). Last evaluated 2026-01-29.

Conditions:
Lethal multiple pterygium syndrome (LMPS). Identifiers: Orphanet 33108, MedGen C1854678, MONDO:0009668, OMIM 253290.

Allele frequency attached by ClinVar (database versions not stated): ExAC 0.00002; gnomAD exomes 0.00002 and 0.00004; gnomAD 0.00005; TOPMed 0.00009.

Submissions (4):

Labcorp Genetics (formerly Invitae), Labcorp
Classification: Likely benign for Lethal multiple pterygium syndrome. Last evaluated: 2026-01-29. Review status: criteria provided, single submitter. Criteria: Invitae Variant Classification Sherloc (09022015). Collection method: clinical testing. Allele origin: germline.

CeGaT Center for Human Genetics Tuebingen
Classification: Likely benign. Last evaluated: 2025-08-01. Review status: criteria provided, single submitter. Criteria: CeGaT Center For Human Genetics Tuebingen Variant Classification Criteria Version 2. Collection method: clinical testing. Allele origin: germline. Affected: yes. Observed: 1 variant allele.
Comment: CHRND: BP4, BP7

Revvity Omics, Revvity
Classification: Uncertain significance. Last evaluated: 2023-08-30. Review status: criteria provided, single submitter. Criteria: ACMG Guidelines, 2015. Collection method: clinical testing. Allele origin: germline.

Breakthrough Genomics
Classification: Likely benign. Review status: criteria provided, single submitter. Criteria: ACMG Guidelines, 2015. Collection method: not provided. Allele origin: germline. Inheritance: Autosomal recessive inheritance. Affected: yes.

NM_000751.3(CHRND):c.849G>A (p.Ser283=)

Gene: CHRND (cholinergic receptor nicotinic delta subunit; plus strand). Cytogenetic location: 2q37.1.
Variant type: single nucleotide variant.
Coding change: c.849G>A on transcript NM_000751.3 (MANE Select); coding-DNA position 849, G replaced by A.
Protein change: p.Ser283=; no amino-acid change (serine 283 retained).
Molecular consequence: synonymous variant.
Genome position (GRCh38, 1-based): chr2:232,531,380, G>A. VCF-style: chr2-232531380-G-A. GRCh37 (hg19) VCF-style: chr2-233396090-G-A.
Other names: c.804G>A, p.Ser268= (NM_001256657.2); c.267G>A, p.Ser89= (NM_001311195.2); c.546G>A, p.Ser182= (NM_001311196.2).
Identifiers: ClinVar variation 771656 (VCV000771656.19), dbSNP rs749757968, ClinGen allele CA2168176.